The following is an entry in ClinVar:

ClinVar aggregate classification (germline): Uncertain significance. Review status: criteria provided, multiple submitters, no conflicts (2 of 4 stars). 2 submissions from 2 submitters: Uncertain significance (2). Last evaluated 2025-09-01.

Conditions:
Cardiovascular phenotype. Identifiers: MedGen CN230736.

gnomAD v4.1: 12 of 1,613,002 alleles (0.00074%); highest among the groups gnomAD compares: African/African-American, 0.008%; no homozygotes.

Submissions (2):

Ambry Genetics
Classification: Uncertain significance for Cardiovascular phenotype. Last evaluated: 2025-09-01. Review status: criteria provided, single submitter. Criteria: Ambry Variant Classification Scheme 2023. Collection method: clinical testing. Allele origin: germline.

GeneDx
Classification: Uncertain significance. Last evaluated: 2023-05-28. Review status: criteria provided, single submitter. Criteria: GeneDx Variant Classification Process June 2021. Collection method: clinical testing. Allele origin: germline. Affected: yes.
Comment: Has not been previously published as pathogenic or benign to our knowledge; Not observed at significant frequency in large population cohorts (gnomAD); In silico analysis supports that this missense variant does not alter protein structure/function

NM_001365276.2(TNXB):c.8038G>A (p.Gly2680Arg)

Gene: TNXB (tenascin XB; minus strand). Cytogenetic location: 6p21.33.
Variant type: single nucleotide variant.
Coding change: c.8038G>A on transcript NM_001365276.2 (MANE Select); coding-DNA position 8038, G replaced by A.
Protein change: p.Gly2680Arg; replaces glycine 2680 with arginine.
Molecular consequence: missense variant.
Genome position (GRCh38, 1-based): chr6:32,056,691, C>T on the plus strand (G>A on the coding strand, the complement: TNXB is on the minus strand). VCF-style: chr6-32056691-C-T. GRCh37 (hg19) VCF-style: chr6-32024468-C-T.
Other names: c.8779G>A, p.Gly2927Arg (NM_001428335.1); c.8038G>A, p.Gly2680Arg (NM_019105.8); short protein forms G2680R, G2927R.
Identifiers: ClinVar variation 3343676 (VCV003343676.2).
Genomic context (GRCh38, chr6:32,056,691, plus strand): 5'-GGAAGCCGTACAGGTTCATCTTGTATTTATGGTCTGGCTCCAGGCCTGAGATGGTGACCC[C>T]GTCCTCGTGCCCCGGCACCCGCACCGCCTTGGGCTGCCCATCCCCATTCCTGTACTGGAC-3'
Protein context (NP_001352205.1, residues 2670-2690): KAVRVPGHED[Gly2680Arg]VTISGLEPDH